The following is an entry in ClinVar:

ClinVar aggregate classification (germline): Uncertain significance. Review status: criteria provided, multiple submitters, no conflicts (2 of 4 stars). 3 submissions from 3 submitters: Uncertain significance (2). 1 of the submissions does not count toward it. Last evaluated 2024-03-01.

Conditions:
Retinal dystrophy. Also called: Inherited retinal dystrophy. Identifiers: Orphanet 71862, MedGen C0854723, MeSH D058499, MONDO:0019118, HP:0000556.
Inborn genetic diseases. Identifiers: MedGen C0950123, MeSH D030342.

Allele frequency attached by ClinVar (database versions not stated): gnomAD exomes below 0.00001; ExAC 0.00001.
gnomAD v4.1: 2 of 1,613,376 alleles (0.00012%); highest among the groups gnomAD compares: Admixed American, 0.0017%; no homozygotes.

Submissions (3):

Ambry Genetics
Classification: Uncertain significance for Inborn genetic diseases. Last evaluated: 2024-03-01. Review status: criteria provided, single submitter. Criteria: Ambry Variant Classification Scheme 2023. Collection method: clinical testing. Allele origin: germline.

Labcorp Genetics (formerly Invitae), Labcorp
Classification: Uncertain significance. Last evaluated: 2024-02-24. Review status: criteria provided, single submitter. Criteria: Invitae Variant Classification Sherloc (09022015). Collection method: clinical testing. Allele origin: germline.
Comment: This sequence change replaces valine, which is neutral and non-polar, with alanine, which is neutral and non-polar, at codon 545 of the FLVCR1 protein (p.Val545Ala). This variant is present in population databases (rs767512883, gnomAD 0.003%). This variant has not been reported in the literature in individuals affected with FLVCR1-related conditions. ClinVar contains an entry for this variant (Variation ID: 1385077). An algorithm developed to predict the effect of missense changes on protein structure and function (PolyPhen-2) suggests that this variant is likely to be tolerated. In summary, the available evidence is currently insufficient to determine the role of this variant in disease. Therefore, it has been classified as a Variant of Uncertain Significance.

Institute of Human Genetics, Univ. Regensburg, Univ. Regensburg
Classification: Uncertain significance for Retinal dystrophy. Last evaluated: 2022-01-01. Review status: no assertion criteria provided. Criteria: ACMG Guidelines, 2015. Collection method: clinical testing. Allele origin: germline. Affected: yes. Not counted in ClinVar's aggregate classification.

NM_014053.4(FLVCR1):c.1634T>C (p.Val545Ala)

Gene: FLVCR1 (FLVCR choline and heme transporter 1; plus strand). Cytogenetic location: 1q32.3.
Variant type: single nucleotide variant.
Coding change: c.1634T>C on transcript NM_014053.4 (MANE Select); coding-DNA position 1634, T replaced by C.
Protein change: p.Val545Ala; replaces valine 545 with alanine.
Molecular consequence: missense variant.
Genome position (GRCh38, 1-based): chr1:212,895,256, T>C. VCF-style: chr1-212895256-T-C. GRCh37 (hg19) VCF-style: chr1-213068598-T-C.
Other names: c.1634T>C (NM_014053.3); short protein forms V545A.
Identifiers: ClinVar variation 1385077 (VCV001385077.7), dbSNP rs767512883, ClinGen allele CA1386227.